The following is an entry in ClinVar:

ClinVar aggregate classification (germline): Uncertain significance (1 of 4 stars; one submission).

Conditions:
EP400-related disorder. Also called: EP400-related condition.

Submission:

PreventionGenetics, part of Exact Sciences
Classification: Uncertain significance for EP400-related condition. Last evaluated: 2025-06-11. Review status: criteria provided, single submitter. Criteria: ACMG Guidelines, 2015. Collection method: clinical testing. Allele origin: germline.
Comment: The EP400 c.9156G>C variant is predicted to result in the amino acid substitution p.Gln3052His. To our knowledge, this variant has not been reported in the literature or in a large population database (gnomAD), indicating this variant is rare. At this time, the clinical significance of this variant is uncertain due to the absence of conclusive functional and genetic evidence.

NM_015409.5(EP400):c.9156G>C (p.Gln3052His)

Gene: EP400 (E1A binding protein p400; plus strand). Cytogenetic location: 12q24.33.
Variant type: single nucleotide variant.
Coding change: c.9156G>C on transcript NM_015409.5 (MANE Select); coding-DNA position 9156, G replaced by C.
Protein change: p.Gln3052His; replaces glutamine 3052 with histidine.
Molecular consequence: missense variant.
Genome position (GRCh38, 1-based): chr12:132,077,457, G>C. VCF-style: chr12-132077457-G-C. GRCh37 (hg19) VCF-style: chr12-132562002-G-C.
Other names: short protein forms Q3052H.
Identifiers: ClinVar variation 5001278 (VCV005001278.1).